The following is an entry in ClinVar:

ClinVar aggregate classification (germline): Uncertain significance. Review status: criteria provided, single submitter (1 of 4 stars). 2 submissions from 2 submitters: Uncertain significance (1). 1 of the submissions does not count toward it. Last evaluated 2022-06-10.

Conditions:
Usher syndrome type 2A. Also called: USHER SYNDROME, TYPE IIA; RETINAL DISEASE IN USHER SYNDROME TYPE IIA, MODIFIER OF. Identifiers: Orphanet 231178, Orphanet 886, MedGen C1848634, MONDO:0010169, OMIM 276901.

Allele frequency attached by ClinVar (database versions not stated): ExAC 0.00004; TOPMed 0.00007; gnomAD 0.00009 and 0.00010; ESP Exome Variant Server 0.00031.
gnomAD v4.1: 22 of 1,612,962 alleles (0.0014%); highest among the groups gnomAD compares: African/African-American, 0.029%; no homozygotes.

Submissions (2):

Labcorp Genetics (formerly Invitae), Labcorp
Classification: Uncertain significance. Last evaluated: 2022-06-10. Review status: criteria provided, single submitter. Criteria: Invitae Variant Classification Sherloc (09022015). Collection method: clinical testing. Allele origin: germline.
Comment: This sequence change falls in intron 53 of the USH2A gene. It does not directly change the encoded amino acid sequence of the USH2A protein. It affects a nucleotide within the consensus splice site. This variant is present in population databases (rs372667667, gnomAD 0.03%). This variant has not been reported in the literature in individuals affected with USH2A-related conditions. ClinVar contains an entry for this variant (Variation ID: 1026962). Variants that disrupt the consensus splice site are a relatively common cause of aberrant splicing (PMID: 17576681, 9536098). Algorithms developed to predict the effect of sequence changes on RNA splicing suggest that this variant may create or strengthen a splice site. In summary, the available evidence is currently insufficient to determine the role of this variant in disease. Therefore, it has been classified as a Variant of Uncertain Significance.

Natera, Inc.
Classification: Uncertain significance for Usher syndrome type 2A. Last evaluated: 2019-11-06. Review status: no assertion criteria provided. Collection method: clinical testing. Allele origin: germline. Not counted in ClinVar's aggregate classification.

Literature cited by the submitters: PubMed 17576681 (cited by Labcorp Genetics (formerly Invitae), Labcorp); PubMed 9536098 (cited by Labcorp Genetics (formerly Invitae), Labcorp).

NM_206933.4(USH2A):c.10585+4T>G

Gene: USH2A (usherin; minus strand). Cytogenetic location: 1q41.
Variant type: single nucleotide variant.
Coding change: c.10585+4T>G on transcript NM_206933.4 (MANE Select); 4 bases into the intron after coding-DNA position 10585, T replaced by G.
Molecular consequence: intron variant.
Genome position (GRCh38, 1-based): chr1:215,782,734, A>C on the plus strand (T>G on the coding strand, the complement: USH2A is on the minus strand). VCF-style: chr1-215782734-A-C. GRCh37 (hg19) VCF-style: chr1-215956076-A-C.
Identifiers: ClinVar variation 1026962 (VCV001026962.7), dbSNP rs372667667, ClinGen allele CA1393986.